The following is an entry in ClinVar:

NM_001013703.4(EIF2AK4):c.2558A>G (p.Asn853Ser)

Gene: EIF2AK4 (eukaryotic translation initiation factor 2 alpha kinase 4; plus strand). Cytogenetic location: 15q15.1.
Variant type: single nucleotide variant.
Coding change: c.2558A>G on transcript NM_001013703.4 (MANE Select); coding-DNA position 2558, A replaced by G.
Protein change: p.Asn853Ser; replaces asparagine 853 with serine.
Molecular consequence: missense variant.
Genome position (GRCh38, 1-based): chr15:39,990,304, A>G. VCF-style: chr15-39990304-A-G. GRCh37 (hg19) VCF-style: chr15-40282505-A-G.
Other names: short protein forms N853S.
Identifiers: ClinVar variation 4776282 (VCV004776282.1).

ClinVar aggregate classification (germline): Uncertain significance (1 of 4 stars; one submission).

gnomAD v4.1: 2 of 1,614,198 alleles (0.00012%); highest among the groups gnomAD compares: Admixed American, 0.0017%; no homozygotes.

Submission:

Labcorp Genetics (formerly Invitae), Labcorp
Classification: Uncertain significance. Last evaluated: 2025-06-20. Review status: criteria provided, single submitter. Criteria: Invitae Variant Classification Sherloc (09022015). Collection method: clinical testing. Allele origin: germline.
Comment: This sequence change replaces asparagine, which is neutral and polar, with serine, which is neutral and polar, at codon 853 of the EIF2AK4 protein (p.Asn853Ser). This variant is present in population databases (no rsID available, gnomAD 0.003%). This variant has not been reported in the literature in individuals affected with EIF2AK4-related conditions. Invitae Evidence Modeling of protein sequence and biophysical properties (such as structural, functional, and spatial information, amino acid conservation, physicochemical variation, residue mobility, and thermodynamic stability) indicates that this missense variant is expected to disrupt EIF2AK4 protein function with a positive predictive value of 95%. In summary, the available evidence is currently insufficient to determine the role of this variant in disease. Therefore, it has been classified as a Variant of Uncertain Significance.